The following is an entry in ClinVar:

ClinVar aggregate classification (germline): Uncertain significance (1 of 4 stars; one submission).

Conditions:
Inborn genetic diseases. Identifiers: MedGen C0950123, MeSH D030342.

Submission:

Ambry Genetics
Classification: Uncertain significance for Inborn genetic diseases. Last evaluated: 2025-07-12. Review status: criteria provided, single submitter. Criteria: Ambry Variant Classification Scheme 2023. Collection method: clinical testing. Allele origin: germline.
Comment: The p.T1342R variant (also known as c.4025C>G), located in coding exon 13 of the ASXL1 gene, results from a C to G substitution at nucleotide position 4025. The threonine at codon 1342 is replaced by arginine, an amino acid with similar properties. This amino acid position is conserved. In addition, this alteration is predicted to be tolerated by in silico analysis. Based on the available evidence, the clinical significance of this variant remains unclear.

NM_015338.6(ASXL1):c.4025C>G (p.Thr1342Arg)

Gene: ASXL1 (ASXL transcriptional regulator 1; plus strand). Cytogenetic location: 20q11.21.
Variant type: single nucleotide variant.
Coding change: c.4025C>G on transcript NM_015338.6 (MANE Select); coding-DNA position 4025, C replaced by G.
Protein change: p.Thr1342Arg; replaces threonine 1342 with arginine.
Molecular consequence: missense variant.
Genome position (GRCh38, 1-based): chr20:32,436,737, C>G. VCF-style: chr20-32436737-C-G. GRCh37 (hg19) VCF-style: chr20-31024540-C-G.
Other names: c.3842C>G, p.Thr1281Arg (NM_001363734.1); short protein forms T1342R, T1281R.
Identifiers: ClinVar variation 4158180 (VCV004158180.1).